The following is an entry in ClinVar:

ClinVar aggregate classification (germline): Likely pathogenic (1 of 4 stars; one submission).

Conditions:
Cerebellar ataxia, impaired intellectual development, and dysequilibrium syndrome 4. Also called: CEREBELLAR ATAXIA AND MENTAL RETARDATION WITH OR WITHOUT QUADRUPEDAL LOCOMOTION 4; Cerebellar ataxia, mental retardation, and dysequilibrium syndrome 4; Cerebellar ataxia, intellectual disability, and dysequilibrium syndrome 4. Identifiers: Orphanet 1766, MedGen C3808977, MONDO:0014104, OMIM 615268.

Submission:

Neuberg Centre For Genomic Medicine, NCGM
Classification: Likely pathogenic for Cerebellar ataxia, impaired intellectual development, and dysequilibrium syndrome 4. Review status: criteria provided, single submitter. Criteria: ACMG Guidelines, 2015. Collection method: clinical testing. Allele origin: germline. Inheritance: Autosomal recessive inheritance. Affected: yes.
Comment: The observed splice acceptor variant c.780-1G>T in ATP8A2 gene has not been reported previously as a pathogenic variant nor as a benign variant, to our knowledge. The c.780-1G>T variant is absent in gnomAD Exomes. The variant affects the AG acceptor splice site upstream to exon 10. The variant is predicted to be damaging by SpliceAI Prediction. This variant is predicted to cause loss of normal protein function through protein truncation. Loss of function variants have been previously reported to be disease causing (Alsahli S, et al., 2018). For these reasons, this variant has been classified as Likely Pathogenic.

NM_016529.6(ATP8A2):c.780-1G>T

Gene: ATP8A2 (ATPase phospholipid transporting 8A2). Cytogenetic location: 13q12.13.
Variant type: single nucleotide variant.
Coding change: c.780-1G>T on transcript NM_016529.6 (MANE Select); the canonical splice acceptor site of the intron before coding-DNA position 780, G replaced by T.
Molecular consequence: splice acceptor variant.
Genome position (GRCh38, 1-based): chr13:25,543,290, G>T. VCF-style: chr13-25543290-G-T. GRCh37 (hg19) VCF-style: chr13-26117428-G-T.
Other names: c.780-1G>T (NM_001411005.1, NM_001411006.1); c.660-1G>T (NM_001313741.1).
Identifiers: ClinVar variation 3242096 (VCV003242096.1), dbSNP rs2542315282.
Genomic context (GRCh38, chr13:25,543,290, plus strand): 5'-GAAAAACTCATGCTTATTTTCCAGACTATCATTAAATATCATTGTTGTTTTTTATTTTTA[G>T]CCTTGTTGCCCTTGGGCCTGACCAGATCTTATTAAGAGGTACACAGCTTAGAAATACTCA-3'